The following is an entry in ClinVar:

NM_014391.3(ANKRD1):c.132T>A (p.Asp44Glu)

Gene: ANKRD1 (ankyrin repeat domain 1; minus strand). Cytogenetic location: 10q23.31.
Variant type: single nucleotide variant.
Coding change: c.132T>A on transcript NM_014391.3 (MANE Select); coding-DNA position 132, T replaced by A.
Protein change: p.Asp44Glu; replaces aspartic acid 44 with glutamic acid.
Molecular consequence: missense variant.
Genome position (GRCh38, 1-based): chr10:90,920,244, A>T on the plus strand (T>A on the coding strand, the complement: ANKRD1 is on the minus strand). VCF-style: chr10-90920244-A-T. GRCh37 (hg19) VCF-style: chr10-92680001-A-T.
Other names: short protein forms D44E.
Identifiers: ClinVar variation 1201515 (VCV001201515.12), dbSNP rs375587589, ClinGen allele CA5598835.

ClinVar aggregate classification (germline): Uncertain significance. Review status: criteria provided, multiple submitters, no conflicts (2 of 4 stars). 3 submissions from 3 submitters: Uncertain significance (3). Last evaluated 2025-10-01.

Conditions:
Cardiovascular phenotype. Identifiers: MedGen CN230736.
ANKRD1-related dilated cardiomyopathy. Identifiers: MedGen CN119551.

Allele frequency attached by ClinVar (database versions not stated): gnomAD 0.00001; gnomAD exomes 0.00001 and 0.00003; TOPMed 0.00001; ExAC 0.00005; ESP Exome Variant Server 0.00015.

Submissions (3):

Labcorp Genetics (formerly Invitae), Labcorp
Classification: Uncertain significance for ANKRD1-related dilated cardiomyopathy. Last evaluated: 2025-10-01. Review status: criteria provided, single submitter. Criteria: Invitae Variant Classification Sherloc (09022015). Collection method: clinical testing. Allele origin: germline.
Comment: This sequence change replaces aspartic acid, which is acidic and polar, with glutamic acid, which is acidic and polar, at codon 44 of the ANKRD1 protein (p.Asp44Glu). This variant is present in population databases (rs375587589, gnomAD 0.006%). This variant has not been reported in the literature in individuals affected with ANKRD1-related conditions. ClinVar contains an entry for this variant (Variation ID: 1201515). Invitae Evidence Modeling of protein sequence and biophysical properties (such as structural, functional, and spatial information, amino acid conservation, physicochemical variation, residue mobility, and thermodynamic stability) indicates that this missense variant is not expected to disrupt ANKRD1 protein function with a negative predictive value of 80%. In summary, the available evidence is currently insufficient to determine the role of this variant in disease. Therefore, it has been classified as a Variant of Uncertain Significance.

Ambry Genetics
Classification: Uncertain significance for Cardiovascular phenotype. Last evaluated: 2024-12-21. Review status: criteria provided, single submitter. Criteria: Ambry Variant Classification Scheme 2023. Collection method: clinical testing. Allele origin: germline.
Comment: The p.D44E variant (also known as c.132T>A), located in coding exon 2 of the ANKRD1 gene, results from a T to A substitution at nucleotide position 132. The aspartic acid at codon 44 is replaced by glutamic acid, an amino acid with highly similar properties. This amino acid position is conserved. In addition, this alteration is predicted to be tolerated by in silico analysis. Based on the available evidence, the clinical significance of this variant remains unclear.

GeneDx
Classification: Uncertain significance. Last evaluated: 2019-12-05. Review status: criteria provided, single submitter. Criteria: GeneDx Variant Classification Process June 2021. Collection method: clinical testing. Allele origin: germline. Affected: yes.
Comment: Has not been previously published as pathogenic or benign to our knowledge; In silico analysis, which includes protein predictors and evolutionary conservation, supports that this variant does not alter protein structure/function